The following is an entry in ClinVar:

ClinVar aggregate classification (germline): Pathogenic (1 of 4 stars; one submission).

Conditions:
Familial cancer of breast. Also called: Hereditary breast cancer; BREAST CANCER, FAMILIAL; hereditary breast carcinoma. Identifiers: Orphanet 227535, MedGen C0346153, MONDO:0016419, OMIM 114480. Disease mechanism: loss of function.

Submission:

Labcorp Genetics (formerly Invitae), Labcorp
Classification: Pathogenic for Familial cancer of breast. Last evaluated: 2023-09-26. Review status: criteria provided, single submitter. Criteria: Invitae Variant Classification Sherloc (09022015). Collection method: clinical testing. Allele origin: germline.
Comment: This sequence change creates a premature translational stop signal (p.Ser579*) in the BARD1 gene. It is expected to result in an absent or disrupted protein product. Loss-of-function variants in BARD1 are known to be pathogenic (PMID: 20077502, 21344236). This variant is not present in population databases (gnomAD no frequency). This variant has not been reported in the literature in individuals affected with BARD1-related conditions. For these reasons, this variant has been classified as Pathogenic.

Literature cited by the submitters: PubMed 20077502; PubMed 21344236.

NM_000465.4(BARD1):c.1736C>G (p.Ser579Ter)

Gene: BARD1 (BRCA1 associated RING domain 1; minus strand). Cytogenetic location: 2q35.
Variant type: single nucleotide variant.
Coding change: c.1736C>G on transcript NM_000465.4 (MANE Select); coding-DNA position 1736, C replaced by G.
Protein change: p.Ser579Ter; replaces serine 579 with a stop codon.
Molecular consequence: nonsense. On other transcripts: non-coding transcript variant (3), intron variant (1).
Genome position (GRCh38, 1-based): chr2:214,745,796, G>C on the plus strand (C>G on the coding strand, the complement: BARD1 is on the minus strand). VCF-style: chr2-214745796-G-C. GRCh37 (hg19) VCF-style: chr2-215610520-G-C.
Other names: c.1679C>G, p.Ser560Ter (NM_001282543.2); c.383C>G, p.Ser128Ter (NM_001282545.2); c.326C>G, p.Ser109Ter (NM_001282548.2); c.365-15288C>G (NM_001282549.2); short protein forms S560*, S579*, S109*, S128*.
Identifiers: ClinVar variation 2763361 (VCV002763361.3), dbSNP rs2469342920, ClinGen allele CA350453065.